The following is an entry in ClinVar:

NM_001276345.2(TNNT2):c.601-1G>A

Gene: TNNT2 (troponin T2, cardiac type; minus strand). Cytogenetic location: 1q32.1.
Variant type: single nucleotide variant.
Coding change: c.601-1G>A on transcript NM_001276345.2 (MANE Select); the canonical splice acceptor site of the intron before coding-DNA position 601, G replaced by A.
Molecular consequence: splice acceptor variant. On other transcripts: intron variant (7).
Genome position (GRCh38, 1-based): chr1:201,362,395, C>T on the plus strand (G>A on the coding strand, the complement: TNNT2 is on the minus strand). VCF-style: chr1-201362395-C-T. GRCh37 (hg19) VCF-style: chr1-201331523-C-T.
Other names: c.601-1G>A (NM_001276345.1); c.571-373G>A (NM_001406727.1, NM_001001431.3, NM_001406726.1); c.571-1G>A (NM_001406724.1, NM_001001430.3, NM_001276347.2); c.556-4G>A (NM_001001432.3); c.556-1G>A (NM_001406728.1); c.568-1G>A (NM_001406725.1); c.481-373G>A (NM_001276346.2); c.601-373G>A (NM_000364.4, NM_001406723.1).
Identifiers: ClinVar variation 132940 (VCV000132940.46), dbSNP rs483352835, ClinGen allele CA004779.

ClinVar aggregate classification (germline): Conflicting classifications of pathogenicity. Review status: criteria provided, conflicting classifications (1 of 4 stars). 22 submissions from 20 submitters: Likely pathogenic (1); Uncertain significance (13); Benign (2); Likely benign (3). 3 of the submissions do not count toward it. Last evaluated 2026-02-04.

Conditions:
Dilated cardiomyopathy 1DD (CMD1DD). Identifiers: Orphanet 154, MedGen C2750995, MONDO:0013168, OMIM 613172.
TNNT2-related disorder. Also called: TNNT2-related condition.
Cardiovascular phenotype. Identifiers: MedGen CN230736.
Hypertrophic cardiomyopathy 2. Also called: TNNT2-Related Familial Hypertrophic Cardiomyopathy. Identifiers: MedGen C1861864, MONDO:0007266, OMIM 115195.
Dilated cardiomyopathy 1D. Identifiers: Orphanet 154, Orphanet 54260, MedGen C1832243, MONDO:0011095, OMIM 601494.
Cardiomyopathy, familial restrictive, 3. Identifiers: Orphanet 75249, MedGen C2676271, MONDO:0012900, OMIM 612422.
Cardiomyopathy (CMYO). Also called: Cardiomyopathies. Identifiers: Orphanet 167848, MedGen C0878544, MONDO:0004994, HP:0001638. Inheritance: Various modes of inheritance.
Hypertrophic cardiomyopathy. Also called: HYPERTROPHIC MYOCARDIOPATHY. Identifiers: Orphanet 217569, MedGen C0007194, MeSH D002312, MONDO:0005045, HP:0001639.

Allele frequency attached by ClinVar (database versions not stated): TOPMed below 0.00001; ExAC 0.00002; gnomAD 0.00001; gnomAD exomes 0.00001 and 0.00002.
gnomAD v4.1: 13 of 1,613,870 alleles (0.00081%); highest among the groups gnomAD compares: South Asian, 0.0055%; no homozygotes.

Submissions 1 to 7 of 22:

PreventionGenetics, part of Exact Sciences
Classification: Uncertain significance for TNNT2-related condition. Last evaluated: 2026-02-04. Review status: criteria provided, single submitter. Criteria: ACMG Guidelines, 2015. Collection method: clinical testing. Allele origin: germline.
Comment: The TNNT2 c.571-1G>A variant is predicted to disrupt the AG splice acceptor site and interfere with normal splicing. This variant has been reported in individuals with dilated cardiomyopathy (described as G>A [IVS11-1G], Rani et al. 2014. PubMed ID: 24992688; Table S3, Mazzarotto et al. 2020. PubMed ID: 31983221) and hypertrophic cardiomopathy (Table S1A, Walsh et al. 2017. PubMed ID: 27532257). However, this variant was also found in a hypertrophic cardiomyopathy individual who also harbored a well-established pathogenic MYH7 p.Arg453Cys variant (Van Driest et al. 2004. PubMed ID: 15358028). mRNA analysis in patient tissues demonstrated that this splice variant results in an inframe deletion of a single amino acid (Van Driest et al. 2004. PubMed ID: 15358028). This variant is reported in 0.016% of alleles in individuals of South Asian descent in gnomAD. At this time, the clinical significance of this variant is uncertain due to the absence of conclusive functional and genetic evidence.

Labcorp Genetics (formerly Invitae), Labcorp
Classification: Uncertain significance for Cardiomyopathy, familial restrictive, 3; Hypertrophic cardiomyopathy 2; Dilated cardiomyopathy 1D. Last evaluated: 2026-02-03. Review status: criteria provided, single submitter. Criteria: Invitae Variant Classification Sherloc (09022015). Collection method: clinical testing. Allele origin: germline.
Comment: This sequence change affects an acceptor splice site in intron 11 of the TNNT2 gene. It is expected to disrupt RNA splicing. Variants that disrupt the donor or acceptor splice site typically lead to a loss of protein function (PMID: 16199547), however the current clinical and genetic evidence is not sufficient to establish whether loss-of-function variants in TNNT2 cause disease. This variant is present in population databases (rs483352835, gnomAD 0.01%). Disruption of this splice site has been observed in individual(s) with clinical features of TNNT2-related conditions (PMID: 24992688, 27532257, 31983221, 37652022). This variant is also known as c.601-1G>A. ClinVar contains an entry for this variant (Variation ID: 132940). In summary, the available evidence is currently insufficient to determine the role of this variant in disease. Therefore, it has been classified as a Variant of Uncertain Significance.

ARUP Laboratories, Molecular Genetics and Genomics, ARUP Laboratories
Classification: Uncertain significance. Last evaluated: 2025-04-03. Review status: criteria provided, single submitter. Criteria: ARUP Molecular Germline Variant Investigation Process 2024. Collection method: clinical testing. Allele origin: germline.
Comment: The TNNT2 c.571-1G>A variant (rs483352835, ClinVar Variation ID: 132940) is reported in the literature in several individuals affected with dilated cardiomyopathy and hypertrophic cardiomyopathy (Earle 2024, Mazzarotto 2020, McGurk 2023, Rani 2014, Walsh 2017). This variant has also been observed in several affected individuals that also carried an additional variant that may explain the observed phenotype (Butters 2025, Van Driest 2004, van Lint 2019). This variant is found in the South Asian population with an allele frequency of 0.016% (5/30,444 alleles) in the Genome Aggregation Database (v2.1.1) and has been reported to occur at higher frequencies in Oceanian populations, although this is based on population samples of limited size (Butters 2025). This variant disrupts the canonical splice acceptor site of intron 11, however, loss of function has not been established as a mechanism of disease. Due to limited information, the clinical significance of this variant is uncertain at this time. References: Butters A et al. A rare splice-site variant in TNNT2: the need for ancestral diversity in genomic reference data sets. Eur Heart J. 2025 Mar 5:ehaf001. PMID: 40038847. Earle NJ et al. Genetic Testing Yield and Clinical Characteristics of Hypertrophic Cardiomyopathy in Understudied Ethnic Groups: Insights From a New Zealand National Registry. Circ Heart Fail. 2024 Mar;17(3):e010970. PMID: 38456273. Mazzarotto F et al. Reevaluating the Genetic Contribution of Monogenic Dilated Cardiomyopathy. Circulation. 2020 Feb 4;141(5):387-398. PMID: 31983221. McGurk KA et al. The penetrance of rare variants in cardiomyopathy-associated genes: A cross-sectional approach to estimating penetrance for secondary findings. Am J Hum Genet. 2023 Sep 7;110(9):1482-1495. PMID: 37652022. Rani DS et al. A novel arginine to tryptophan (R144W) mutation in troponin T (cTnT) gene in an indian multigenerational family with dilated cardiomyopathy (FDCM). PLoS One. 2014 Jul 3;9(7):e101451. PMID: 24992688. Van Driest SL et al. Comprehensive analysis of the beta-myosin heavy chain gene in 389 unrelated patients with hypertrophic cardiomyopathy. J Am Coll Cardiol. 2004 Aug 4;44(3):602-10. PMID: 15358028. van Lint FHM et al. Large next-generation sequencing gene panels in genetic heart disease: yield of pathogenic variants and variants of unknown significance. Neth Heart J. 2019 Jun;27(6):304-309. PMID: 30847666. Walsh R et al. Reassessment of Mendelian gene pathogenicity using 7,855 cardiomyopathy cases and 60,706 reference samples. Genet Med. 2017 Feb;19(2):192-203. PMID: 27532257.

Color Diagnostics, LLC DBA Color Health
Classification: Likely benign for Cardiomyopathy. Last evaluated: 2025-03-12. Review status: criteria provided, single submitter. Criteria: ACMG Guidelines, 2015. Collection method: clinical testing. Allele origin: germline.

Revvity Omics, Revvity
Classification: Benign. Last evaluated: 2025-03-07. Review status: criteria provided, single submitter. Criteria: ACMG Guidelines, 2015. Collection method: clinical testing. Allele origin: germline.

Victorian Clinical Genetics Services, Murdoch Childrens Research Institute
Classification: Likely benign for Dilated cardiomyopathy 1D. Last evaluated: 2024-11-22. Review status: criteria provided, single submitter. Criteria: ACMG Guidelines, 2015. Collection method: clinical testing. Allele origin: germline. Affected: yes.
Comment: This variant is classified as Likely benign. Evidence in support of pathogenic classification: Canonical splice site variant without proven consequence on splicing (no functional evidence available); Variant is present in gnomAD <0.001 for a dominant condition (v4: 13 heterozygotes, 0 homozygotes). Additional information: This variant is intronic in an alternative transcript. However, it is a canonical splice site in both the transcript predominantly reported in ClinVar and on the transcript with the highest expression in heart (GTEx); This variant is heterozygous; This gene is associated with autosomal dominant disease; An alternative nucleotide change at the same canonical splice site, is present in gnomAD (v4: 1 heterozygote, 0 homozygotes); Previous reports of pathogenicity for this variant are conflicting. This variant has been classified multiple times as a VUS (ClinVar, LOVD, PMID: 27532257, PMID: 30847666) and as likely pathogenic (ClinVar; PMID:37821546). It has been reported in an individual with severe early onset hypertrophic cardiomyopathy (HCM), who also harboured the well-known pathogenic p.(Arg453Cys) variant in the MYH7 gene (PMID: 15358028). Although this variant is reported to result in an in-frame deletion of p.(Gln201del), data was not shown and methods were not specified (PMID: 15358028). This variant was also identified in individuals with DCM (VCGS, PMID: 24992688) and HCM (PMID: 15358028), and in a fetus with noncompaction cardiomyopathy (PMID: 33553264). Additionally, this variant has been described as a rare oceanic polymorphism and has an allele frequency of 4% in Genome Asia database (PMID: 37821546); No published segregation evidence has been identified for this variant; No published functional evidence has been identified for this variant; No comparable canonical splice site variants have previous evidence for pathogenicity; In silico predictions for abnormal splicing are conflicting; The mechanism of disease for this gene is not clearly established. Functional studies have suggested loss-of-function, gain-of-function and dominant-negative mechanisms based on calcium sensitivity, contractibility and mouse models (PMID: 18612386, 32098556, 33025817); Variants in this gene are known to have variable expressivity. p.(Arg92Gln) has been reported to cause both dilated cardiomyopathy (DCM) and hypertrophic cardiomyopathy (HCM), even within the same family (PMID: 26507537); Inheritance information for this variant is not currently available in this individual.

Blueprint Genetics
Classification: Likely benign. Last evaluated: 2024-10-23. Review status: criteria provided, single submitter. Criteria: ACMG Guidelines, 2015. Collection method: clinical testing. Allele origin: germline.